The following is an entry in ClinVar:

NM_001376.5(DYNC1H1):c.1407T>G (p.Phe469Leu)

Gene: DYNC1H1 (dynein cytoplasmic 1 heavy chain 1; plus strand). Cytogenetic location: 14q32.31.
Variant type: single nucleotide variant.
Coding change: c.1407T>G on transcript NM_001376.5 (MANE Select); coding-DNA position 1407, T replaced by G.
Protein change: p.Phe469Leu; replaces phenylalanine 469 with leucine.
Molecular consequence: missense variant.
Genome position (GRCh38, 1-based): chr14:101,983,555, T>G. VCF-style: chr14-101983555-T-G. GRCh37 (hg19) VCF-style: chr14-102449892-T-G.
Other names: short protein forms F469L.
Identifiers: ClinVar variation 2709788 (VCV002709788.3), dbSNP rs1261638807, ClinGen allele CA391016007.

ClinVar aggregate classification (germline): Likely pathogenic (1 of 4 stars; one submission).

Conditions:
Charcot-Marie-Tooth disease axonal type 2O. Also called: CHARCOT-MARIE-TOOTH NEUROPATHY, AXONAL, TYPE 2O; CHARCOT-MARIE-TOOTH DISEASE, AXONAL, AUTOSOMAL DOMINANT, TYPE 2O; Charcot-Marie-Tooth Neuropathy Type 2O; Charcot-Marie-Tooth disease, axonal, type 20. Identifiers: Orphanet 284232, MedGen C3280220, MONDO:0013644, OMIM 614228.

Submission:

Labcorp Genetics (formerly Invitae), Labcorp
Classification: Likely pathogenic for Charcot-Marie-Tooth disease axonal type 2O. Last evaluated: 2024-04-05. Review status: criteria provided, single submitter. Criteria: Invitae Variant Classification Sherloc (09022015). Collection method: clinical testing. Allele origin: germline.
Comment: This sequence change replaces phenylalanine, which is neutral and non-polar, with leucine, which is neutral and non-polar, at codon 469 of the DYNC1H1 protein (p.Phe469Leu). This variant is not present in population databases (gnomAD no frequency). This missense change has been observed in individual(s) with DYNC1H1-related conditions (Invitae). In at least one individual the variant was observed to be de novo. Advanced modeling of protein sequence and biophysical properties (such as structural, functional, and spatial information, amino acid conservation, physicochemical variation, residue mobility, and thermodynamic stability) has been performed at Invitae for this missense variant, however the output from this modeling did not meet the statistical confidence thresholds required to predict the impact of this variant on DYNC1H1 protein function. In summary, the currently available evidence indicates that the variant is pathogenic, but additional data are needed to prove that conclusively. Therefore, this variant has been classified as Likely Pathogenic.